The following is an entry in ClinVar:

NM_005188.4(CBL):c.1592A>G (p.Lys531Arg)

Gene: CBL (Cbl proto-oncogene; plus strand). Cytogenetic location: 11q23.3.
Variant type: single nucleotide variant.
Coding change: c.1592A>G on transcript NM_005188.4 (MANE Select); coding-DNA position 1592, A replaced by G.
Protein change: p.Lys531Arg; replaces lysine 531 with arginine.
Molecular consequence: missense variant.
Genome position (GRCh38, 1-based): chr11:119,285,217, A>G. VCF-style: chr11-119285217-A-G. GRCh37 (hg19) VCF-style: chr11-119155927-A-G.
Other names: short protein forms K531R.
Identifiers: ClinVar variation 3996031 (VCV003996031.1).
Genomic context (GRCh38, chr11:119,285,217, plus strand): 5'-TTTACTGATTTGCTTTCACCCTGCTTCCACAGGCTGCTTCTGGCTCCCTTCATAAAGACA[A>G]ACCATTGCCAGTACCTCCCACACTTCGAGATCTTCCACCACCACCGCCTCCAGACCGGCC-3'
Protein context (NP_005179.2, residues 521-541): KAASGSLHKD[Lys531Arg]PLPVPPTLRD

ClinVar aggregate classification (germline): Uncertain significance (1 of 4 stars; one submission).

Conditions:
Cardiovascular phenotype. Identifiers: MedGen CN230736.

gnomAD v4.1: 1 of 1,614,030 alleles (0.000062%); highest among the groups gnomAD compares: African/African-American, 0.0013%; no homozygotes.

Submission:

Ambry Genetics
Classification: Uncertain significance for Cardiovascular phenotype. Last evaluated: 2025-04-21. Review status: criteria provided, single submitter. Criteria: Ambry Variant Classification Scheme 2023. Collection method: clinical testing. Allele origin: germline.
Comment: The p.K531R variant (also known as c.1592A>G), located in coding exon 11 of the CBL gene, results from an A to G substitution at nucleotide position 1592. The lysine at codon 531 is replaced by arginine, an amino acid with highly similar properties. This amino acid position is conserved. In addition, the in silico prediction for this alteration is inconclusive. Based on the available evidence, the clinical significance of this variant remains unclear.